The following is an entry in ClinVar:

ClinVar aggregate classification (germline): Uncertain significance (1 of 4 stars; one submission).

Conditions:
Hereditary breast ovarian cancer syndrome. Also called: Hereditary breast and ovarian cancer syndrome; Hereditary breast and ovarian cancer syndrome (HBOC); BRCA1- and BRCA2-Associated Hereditary Breast and Ovarian Cancer; Hereditary breast and ovarian cancer; Breast and ovarian cancer; Hereditary breast and/or ovarian cancer syndrome. Identifiers: Orphanet 145, MedGen C0677776, MeSH D061325, MONDO:0003582. Disease mechanism: loss of function.

Submission:

Labcorp Genetics (formerly Invitae), Labcorp
Classification: Uncertain significance for Hereditary breast ovarian cancer syndrome. Last evaluated: 2024-12-12. Review status: criteria provided, single submitter. Criteria: Invitae Variant Classification Sherloc (09022015). Collection method: clinical testing. Allele origin: germline.
Comment: This sequence change replaces aspartic acid, which is acidic and polar, with glycine, which is neutral and non-polar, at codon 3272 of the BRCA2 protein (p.Asp3272Gly). This variant is not present in population databases (gnomAD no frequency). This variant has not been reported in the literature in individuals affected with BRCA2-related conditions. Invitae Evidence Modeling of protein sequence and biophysical properties (such as structural, functional, and spatial information, amino acid conservation, physicochemical variation, residue mobility, and thermodynamic stability) indicates that this missense variant is not expected to disrupt BRCA2 protein function with a negative predictive value of 95%. In summary, the available evidence is currently insufficient to determine the role of this variant in disease. Therefore, it has been classified as a Variant of Uncertain Significance.

NM_000059.4(BRCA2):c.9815A>G (p.Asp3272Gly)

Gene: BRCA2 (BRCA2 DNA repair associated; plus strand). Cytogenetic location: 13q13.1.
Variant type: single nucleotide variant.
Coding change: c.9815A>G on transcript NM_000059.4 (MANE Select); coding-DNA position 9815, A replaced by G.
Protein change: p.Asp3272Gly; replaces aspartic acid 3272 with glycine.
Molecular consequence: missense variant. On other transcripts: non-coding transcript variant (1).
Genome position (GRCh38, 1-based): chr13:32,398,328, A>G. VCF-style: chr13-32398328-A-G. GRCh37 (hg19) VCF-style: chr13-32972465-A-G.
Other names: c.9719A>G, p.Asp3240Gly (NM_001406719.1); c.9764A>G, p.Asp3255Gly (NM_001406720.1); c.4883A>G, p.Asp1628Gly (NM_001406721.1); c.3398A>G, p.Asp1133Gly (NM_001406722.1); c.9815A>G, p.Asp3272Gly (NM_001432077.1); short protein forms D1133G, D3272G, D1628G, D3240G, D3255G.
Identifiers: ClinVar variation 3636568 (VCV003636568.2).